The following is an entry in ClinVar:

ClinVar aggregate classification (germline): Uncertain significance (1 of 4 stars; one submission).

Conditions:
Developmental and epileptic encephalopathy, 34 (DEE34). Also called: SLC12A5-Related Epilepsy of Infancy with Migrating Focal Seizures; Early infantile epileptic encephalopathy 34. Identifiers: Orphanet 293181, MedGen C4225257, MONDO:0014718, OMIM 616645.

Submission:

Labcorp Genetics (formerly Invitae), Labcorp
Classification: Uncertain significance for Developmental and epileptic encephalopathy, 34. Last evaluated: 2020-04-09. Review status: criteria provided, single submitter. Criteria: Invitae Variant Classification Sherloc (09022015). Collection method: clinical testing. Allele origin: germline.
Comment: Algorithms developed to predict the effect of missense changes on protein structure and function (SIFT, PolyPhen-2, Align-GVGD) all suggest that this variant is likely to be tolerated, but these predictions have not been confirmed by published functional studies and their clinical significance is uncertain. In summary, the available evidence is currently insufficient to determine the role of this variant in disease. Therefore, it has been classified as a Variant of Uncertain Significance. Algorithms developed to predict the effect of sequence changes on RNA splicing suggest that this variant may create or strengthen a splice site, but this prediction has not been confirmed by published transcriptional studies. This variant has not been reported in the literature in individuals with SLC12A5-related conditions. This variant is not present in population databases (ExAC no frequency). This sequence change replaces glycine with serine at codon 378 of the SLC12A5 protein (p.Gly378Ser). The glycine residue is weakly conserved and there is a small physicochemical difference between glycine and serine.

NM_020708.5(SLC12A5):c.1132G>A (p.Gly378Ser)

Gene: SLC12A5 (solute carrier family 12 member 5; plus strand). Cytogenetic location: 20q13.12.
Variant type: single nucleotide variant.
Coding change: c.1132G>A on transcript NM_020708.5 (MANE Select); coding-DNA position 1132, G replaced by A.
Protein change: p.Gly378Ser; replaces glycine 378 with serine.
Molecular consequence: missense variant.
Genome position (GRCh38, 1-based): chr20:46,043,218, G>A. VCF-style: chr20-46043218-G-A. GRCh37 (hg19) VCF-style: chr20-44671857-G-A.
Other names: c.1201G>A, p.Gly401Ser (NM_001134771.2); short protein forms G378S, G401S.
Identifiers: ClinVar variation 1044977 (VCV001044977.9), dbSNP rs2080922672, ClinGen allele CA409191802.
Genomic context (GRCh38, chr20:46,043,218, plus strand): 5'-CTCTGGAGCTCCTACCTGACCAAGGGCGTGATTGTGGAGAGGAGTGGGATGACCTCGGTG[G>A]GCCTGGCCGATGGCACTCCTATCGACATGGACCACCCTTATGTCTTCAGTGATATGACCT-3'
Protein context (NP_065759.1, residues 368-388): IVERSGMTSV[Gly378Ser]LADGTPIDMD